The following is an entry in ClinVar:

NM_005228.5(EGFR):c.929C>G (p.Ala310Gly)

Gene: EGFR (epidermal growth factor receptor; plus strand). Cytogenetic location: 7p11.2.
Variant type: single nucleotide variant.
Coding change: c.929C>G on transcript NM_005228.5 (MANE Select); coding-DNA position 929, C replaced by G.
Protein change: p.Ala310Gly; replaces alanine 310 with glycine.
Molecular consequence: missense variant.
Genome position (GRCh38, 1-based): chr7:55,155,869, C>G. VCF-style: chr7-55155869-C-G. GRCh37 (hg19) VCF-style: chr7-55223562-C-G.
Other names: c.794C>G, p.Ala265Gly (NM_001346897.2, NM_001346899.2); c.929C>G, p.Ala310Gly (NM_001346898.2, NM_201282.2, NM_201283.2 and 1 more transcripts); c.770C>G, p.Ala257Gly (NM_001346900.2); c.128C>G, p.Ala43Gly (NM_001346941.2); short protein forms A265G, A257G, A310G, A43G.
Identifiers: ClinVar variation 962653 (VCV000962653.10), dbSNP rs1785385813, ClinGen allele CA367577998.

ClinVar aggregate classification (germline): Uncertain significance. Review status: criteria provided, multiple submitters, no conflicts (2 of 4 stars). 2 submissions from 2 submitters: Uncertain significance (2). Last evaluated 2025-03-05.

Conditions:
Hereditary cancer-predisposing syndrome. Also called: Tumor predisposition; Hereditary neoplastic syndrome; Hereditary Cancer Syndrome; Neoplastic Syndromes, Hereditary. Identifiers: Orphanet 140162, MedGen C0027672, MeSH D009386, MONDO:0015356.
EGFR-related lung cancer (EGFR). Identifiers: MedGen CN130014.

Submissions (2):

Ambry Genetics
Classification: Uncertain significance for Hereditary cancer-predisposing syndrome. Last evaluated: 2025-03-05. Review status: criteria provided, single submitter. Criteria: Ambry Variant Classification Scheme 2023. Collection method: clinical testing. Allele origin: germline.
Comment: The p.A310G variant (also known as c.929C>G), located in coding exon 8 of the EGFR gene, results from a C to G substitution at nucleotide position 929. The alanine at codon 310 is replaced by glycine, an amino acid with similar properties. This amino acid position is conserved. In addition, this alteration is predicted to be tolerated by in silico analysis. Based on the available evidence, the clinical significance of this variant remains unclear.

Labcorp Genetics (formerly Invitae), Labcorp
Classification: Uncertain significance for EGFR-related lung cancer. Last evaluated: 2024-09-25. Review status: criteria provided, single submitter. Criteria: Invitae Variant Classification Sherloc (09022015). Collection method: clinical testing. Allele origin: germline.
Comment: This sequence change replaces alanine, which is neutral and non-polar, with glycine, which is neutral and non-polar, at codon 310 of the EGFR protein (p.Ala310Gly). This variant is not present in population databases (gnomAD no frequency). This variant has not been reported in the literature in individuals affected with EGFR-related conditions. ClinVar contains an entry for this variant (Variation ID: 962653). Invitae Evidence Modeling of protein sequence and biophysical properties (such as structural, functional, and spatial information, amino acid conservation, physicochemical variation, residue mobility, and thermodynamic stability) indicates that this missense variant is not expected to disrupt EGFR protein function with a negative predictive value of 80%. In summary, the available evidence is currently insufficient to determine the role of this variant in disease. Therefore, it has been classified as a Variant of Uncertain Significance.